The following is an entry in ClinVar:

NM_001370466.1(NOD2):c.745C>G (p.Leu249Val)

Gene: NOD2 (nucleotide binding oligomerization domain containing 2; plus strand). Cytogenetic location: 16q12.1.
Variant type: single nucleotide variant.
Coding change: c.745C>G on transcript NM_001370466.1 (MANE Select); coding-DNA position 745, C replaced by G.
Protein change: p.Leu249Val; replaces leucine 249 with valine.
Molecular consequence: missense variant. On other transcripts: non-coding transcript variant (1).
Genome position (GRCh38, 1-based): chr16:50,710,737, C>G. VCF-style: chr16-50710737-C-G. GRCh37 (hg19) VCF-style: chr16-50744648-C-G.
Other names: c.745C>G, p.Leu249Val (NM_001293557.2); c.826C>G, p.Leu276Val (NM_022162.3); short protein forms L249V, L276V.
Identifiers: ClinVar variation 2923208 (VCV002923208.3), dbSNP rs762579270, ClinGen allele CA8051406.
Genomic context (GRCh38, chr16:50,710,737, plus strand): 5'-GTCCTGGAGGTCTGGGCAGATGTGGGCATGGCTGGACCCCCGCAGAAGAGCCCAGCCACC[C>G]TGGGCCTGGAGGAGCTCTTCAGCACCCCTGGCCACCTCAATGACGATGCGGACACTGTGC-3'
Protein context (NP_001357395.1, residues 239-259): AGPPQKSPAT[Leu249Val]GLEELFSTPG

ClinVar aggregate classification (germline): Uncertain significance (1 of 4 stars; one submission).

Conditions:
Regional enteritis. Also called: Enteritis, Granulomatous. Identifiers: MedGen C0678202, MeSH D003424.
Blau syndrome (BLAUS). Also called: ARTHROCUTANEOUVEAL GRANULOMATOSIS; GRANULOMATOSIS, FAMILIAL JUVENILE SYSTEMIC; GRANULOMATOSIS, FAMILIAL, BLAU TYPE; GRANULOMATOUS INFLAMMATORY ARTHRITIS, DERMATITIS, AND UVEITIS, FAMILIAL; JABS SYNDROME. Identifiers: Orphanet 90340, MedGen C5201146, MONDO:0008523, OMIM 186580.

Allele frequency attached by ClinVar (database versions not stated): TOPMed below 0.00001; gnomAD exomes 0.00001; ExAC 0.00002.
gnomAD v4.1: 7 of 1,613,860 alleles (0.00043%); highest among the groups gnomAD compares: Admixed American, 0.0083%; no homozygotes.

Submission:

Labcorp Genetics (formerly Invitae), Labcorp
Classification: Uncertain significance for Regional enteritis; Blau syndrome. Last evaluated: 2023-11-12. Review status: criteria provided, single submitter. Criteria: Invitae Variant Classification Sherloc (09022015). Collection method: clinical testing. Allele origin: germline.
Comment: This sequence change replaces leucine, which is neutral and non-polar, with valine, which is neutral and non-polar, at codon 276 of the NOD2 protein (p.Leu276Val). This variant is present in population databases (rs762579270, gnomAD 0.01%). This variant has not been reported in the literature in individuals affected with NOD2-related conditions. Advanced modeling of protein sequence and biophysical properties (such as structural, functional, and spatial information, amino acid conservation, physicochemical variation, residue mobility, and thermodynamic stability) performed at Invitae indicates that this missense variant is not expected to disrupt NOD2 protein function with a negative predictive value of 95%. In summary, the available evidence is currently insufficient to determine the role of this variant in disease. Therefore, it has been classified as a Variant of Uncertain Significance.